The following is an entry in ClinVar:

NM_006904.7(PRKDC):c.6280A>G (p.Met2094Val)

Gene: PRKDC (protein kinase, DNA-activated, catalytic subunit; minus strand). Cytogenetic location: 8q11.21.
Variant type: single nucleotide variant.
Coding change: c.6280A>G on transcript NM_006904.7 (MANE Select); coding-DNA position 6280, A replaced by G.
Protein change: p.Met2094Val; replaces methionine 2094 with valine.
Molecular consequence: missense variant.
Genome position (GRCh38, 1-based): chr8:47,858,914, T>C on the plus strand (A>G on the coding strand, the complement: PRKDC is on the minus strand). VCF-style: chr8-47858914-T-C. GRCh37 (hg19) VCF-style: chr8-48771475-T-C.
Other names: c.6280A>G, p.Met2094Val (NM_001081640.2); short protein forms M2094V.
Identifiers: ClinVar variation 1058558 (VCV001058558.7), dbSNP rs760219580, ClinGen allele CA4740402.

ClinVar aggregate classification (germline): Uncertain significance (1 of 4 stars; one submission).

Conditions:
Severe combined immunodeficiency due to DNA-PKcs deficiency. Also called: IMMUNODEFICIENCY 26 WITH NEUROLOGIC ABNORMALITIES; Immunodeficiency 26 with or without neurologic abnormalities. Identifiers: Orphanet 317425, MedGen C4014833, MONDO:0014423, OMIM 615966.

Allele frequency attached by ClinVar (database versions not stated): ExAC 0.00001; gnomAD exomes 0.00001 and 0.00003; TOPMed 0.00001.
gnomAD v4.1: 48 of 1,613,826 alleles (0.003%); highest among the groups gnomAD compares: Non-Finnish European, 0.004%; no homozygotes.

Submission:

Labcorp Genetics (formerly Invitae), Labcorp
Classification: Uncertain significance for Severe combined immunodeficiency due to DNA-PKcs deficiency. Last evaluated: 2024-10-16. Review status: criteria provided, single submitter. Criteria: Invitae Variant Classification Sherloc (09022015). Collection method: clinical testing. Allele origin: germline.
Comment: This sequence change replaces methionine, which is neutral and non-polar, with valine, which is neutral and non-polar, at codon 2094 of the PRKDC protein (p.Met2094Val). This variant is present in population databases (rs760219580, gnomAD 0.002%). This variant has not been reported in the literature in individuals affected with PRKDC-related conditions. ClinVar contains an entry for this variant (Variation ID: 1058558). Invitae Evidence Modeling of protein sequence and biophysical properties (such as structural, functional, and spatial information, amino acid conservation, physicochemical variation, residue mobility, and thermodynamic stability) indicates that this missense variant is expected to disrupt PRKDC protein function with a positive predictive value of 80%. In summary, the available evidence is currently insufficient to determine the role of this variant in disease. Therefore, it has been classified as a Variant of Uncertain Significance.